The following is an entry in ClinVar:

ClinVar aggregate classification (germline): Likely benign. Review status: criteria provided, multiple submitters, no conflicts (2 of 4 stars). 4 submissions from 4 submitters: Likely benign (3). 1 of the submissions does not count toward it. Last evaluated 2026-01-28.

Conditions:
LRPPRC-related disorder. Also called: LRPPRC-related condition.

Allele frequency attached by ClinVar (database versions not stated): ExAC 0.00013; TOPMed 0.00039; gnomAD 0.00046; gnomAD exomes 0.00005 and 0.00012; ESP Exome Variant Server 0.00054; 1000 Genomes Project 0.00100; 1000 Genomes Project 30x 0.00109.
gnomAD v4.1: 142 of 1,612,392 alleles (0.0088%); highest among the groups gnomAD compares: African/African-American, 0.18%; no homozygotes.

Submissions (4):

Labcorp Genetics (formerly Invitae), Labcorp
Classification: Likely benign. Last evaluated: 2026-01-28. Review status: criteria provided, single submitter. Criteria: Invitae Variant Classification Sherloc (09022015). Collection method: clinical testing. Allele origin: germline.

Blueprint Genetics
Classification: Likely benign. Last evaluated: 2022-03-18. Review status: criteria provided, single submitter. Criteria: ACMG Guidelines, 2015. Collection method: clinical testing. Allele origin: germline.

GeneDx
Classification: Likely benign. Last evaluated: 2020-10-30. Review status: criteria provided, single submitter. Criteria: GeneDx Variant Classification Process June 2021. Collection method: clinical testing. Allele origin: germline. Affected: yes.

PreventionGenetics, part of Exact Sciences
Classification: Likely benign for LRPPRC-related condition. Last evaluated: 2019-02-20. Review status: no assertion criteria provided. Collection method: clinical testing. Allele origin: germline. Not counted in ClinVar's aggregate classification.
Comment: This variant is classified as likely benign based on ACMG/AMP sequence variant interpretation guidelines (Richards et al. 2015 PMID: 25741868, with internal and published modifications).

NM_133259.4(LRPPRC):c.2271A>G (p.Val757=)

Gene: LRPPRC (leucine rich pentatricopeptide repeat containing; minus strand). Cytogenetic location: 2p21.
Variant type: single nucleotide variant.
Coding change: c.2271A>G on transcript NM_133259.4 (MANE Select); coding-DNA position 2271, A replaced by G.
Protein change: p.Val757=; no amino-acid change (valine 757 retained).
Molecular consequence: synonymous variant.
Genome position (GRCh38, 1-based): chr2:43,945,357, T>C on the plus strand (A>G on the coding strand, the complement: LRPPRC is on the minus strand). VCF-style: chr2-43945357-T-C. GRCh37 (hg19) VCF-style: chr2-44172496-T-C.
Identifiers: ClinVar variation 509982 (VCV000509982.17), dbSNP rs145963884, ClinGen allele CA1638526.